The following is an entry in ClinVar:

ClinVar aggregate classification (germline): Uncertain significance (1 of 4 stars; one submission).

Submission:

Labcorp Genetics (formerly Invitae), Labcorp
Classification: Uncertain significance. Last evaluated: 2022-03-01. Review status: criteria provided, single submitter. Criteria: Invitae Variant Classification Sherloc (09022015). Collection method: clinical testing. Allele origin: germline.
Comment: In summary, the available evidence is currently insufficient to determine the role of this variant in disease. Therefore, it has been classified as a Variant of Uncertain Significance. Algorithms developed to predict the effect of missense changes on protein structure and function are either unavailable or do not agree on the potential impact of this missense change (SIFT: "Deleterious"; PolyPhen-2: "Probably Damaging"; Align-GVGD: "Class C0"). This variant has not been reported in the literature in individuals affected with CNTNAP1-related conditions. This variant is not present in population databases (gnomAD no frequency). This sequence change replaces serine, which is neutral and polar, with arginine, which is basic and polar, at codon 59 of the CNTNAP1 protein (p.Ser59Arg).

NM_003632.3(CNTNAP1):c.177C>A (p.Ser59Arg)

Genes: CNTNAP1 (contactin associated protein 1; plus strand), LOC125177481 (Sharpr-MPRA regulatory region 245; plus strand). Cytogenetic location: 17q21.2.
Variant type: single nucleotide variant.
Coding change: c.177C>A on transcript NM_003632.3 (MANE Select); coding-DNA position 177, C replaced by A.
Protein change: p.Ser59Arg; replaces serine 59 with arginine.
Molecular consequence: missense variant.
Genome position (GRCh38, 1-based): chr17:42,684,043, C>A. VCF-style: chr17-42684043-C-A. GRCh37 (hg19) VCF-style: chr17-40836061-C-A.
Other names: short protein forms S59R.
Identifiers: ClinVar variation 2105500 (VCV002105500.2), dbSNP rs2052973842, ClinGen allele CA399632277.